The following is an entry in ClinVar:

ClinVar aggregate classification (germline): Likely benign. Review status: criteria provided, multiple submitters, no conflicts (2 of 4 stars). 3 submissions from 3 submitters: Likely benign (3). Last evaluated 2026-06-01.

Conditions:
Brugada syndrome 5 (BRGDA5). Identifiers: Orphanet 130, Orphanet 871, MedGen C2748541, MONDO:0013015, OMIM 612838.
Cardiovascular phenotype. Identifiers: MedGen CN230736.

Allele frequency attached by ClinVar (database versions not stated): gnomAD 0.00001; gnomAD exomes 0.00001; TOPMed 0.00002.
gnomAD v4.1: 11 of 1,614,050 alleles (0.00068%); highest among the groups gnomAD compares: African/African-American, 0.0027%; no homozygotes.

Submissions (3):

CeGaT Center for Human Genetics Tuebingen
Classification: Likely benign. Last evaluated: 2026-06-01. Review status: criteria provided, single submitter. Criteria: CeGaT Center For Human Genetics Tuebingen Variant Classification Criteria Version 2. Collection method: clinical testing. Allele origin: germline. Affected: yes. Observed: 1 variant allele.
Comment: SCN1B: BP4, BP7

Labcorp Genetics (formerly Invitae), Labcorp
Classification: Likely benign for Brugada syndrome 5. Last evaluated: 2025-12-23. Review status: criteria provided, single submitter. Criteria: Invitae Variant Classification Sherloc (09022015). Collection method: clinical testing. Allele origin: germline.

Ambry Genetics
Classification: Likely benign for Cardiovascular phenotype. Last evaluated: 2019-12-19. Review status: criteria provided, single submitter. Criteria: Ambry Variant Classification Scheme 2023. Collection method: clinical testing. Allele origin: germline.

NM_001037.5(SCN1B):c.357C>T (p.Tyr119=)

Gene: SCN1B (sodium voltage-gated channel beta subunit 1; plus strand). Cytogenetic location: 19q13.11.
Variant type: single nucleotide variant.
Coding change: c.357C>T on transcript NM_001037.5 (MANE Select); coding-DNA position 357, C replaced by T.
Protein change: p.Tyr119=; no amino-acid change (tyrosine 119 retained).
Molecular consequence: synonymous variant.
Genome position (GRCh38, 1-based): chr19:35,033,648, C>T. VCF-style: chr19-35033648-C-T. GRCh37 (hg19) VCF-style: chr19-35524552-C-T.
Other names: c.258C>T, p.Tyr86= (NM_001321605.2); c.357C>T, p.Tyr119= (NM_199037.5).
Identifiers: ClinVar variation 727291 (VCV000727291.13), dbSNP rs1266621411, ClinGen allele CA507298014.